The following is an entry in ClinVar:

NM_001256317.3(TMPRSS3):c.71del (p.Asp23_Leu24insTer)

Gene: TMPRSS3 (transmembrane serine protease 3; minus strand). Cytogenetic location: 21q22.3.
Variant type: Deletion.
Coding change: c.71del on transcript NM_001256317.3 (MANE Select); coding-DNA position 71, one base deleted (T; older notation c.71delT).
Protein change: p.Asp23_Leu24insTer.
Molecular consequence: nonsense.
Genome position (GRCh38, 1-based): chr21:42,395,347, A deleted on the plus strand (T on the coding strand, the reverse complement: TMPRSS3 is on the minus strand); the first of 3 consecutive A bases (chr21:42,395,347-42,395,349); deleting any one gives the same sequence. VCF-style (leftmost placement, unchanged base first): chr21-42395346-CA-C. GRCh37 (hg19) VCF-style: chr21-43815455-CA-C.
Other names: c.71del, p.Asp23_Leu24insTer (NM_024022.4, NM_032405.2).
Identifiers: ClinVar variation 2765953 (VCV002765953.3), dbSNP rs771977117, ClinGen allele CA10042766.

ClinVar aggregate classification (germline): Pathogenic (1 of 4 stars; one submission).

Submission:

Labcorp Genetics (formerly Invitae), Labcorp
Classification: Pathogenic. Last evaluated: 2023-06-04. Review status: criteria provided, single submitter. Criteria: Invitae Variant Classification Sherloc (09022015). Collection method: clinical testing. Allele origin: germline.
Comment: For these reasons, this variant has been classified as Pathogenic. This variant has not been reported in the literature in individuals affected with TMPRSS3-related conditions. This variant is present in population databases (rs771977117, gnomAD 0.002%). This sequence change creates a premature translational stop signal (p.Leu24*) in the TMPRSS3 gene. It is expected to result in an absent or disrupted protein product. Loss-of-function variants in TMPRSS3 are known to be pathogenic (PMID: 16021470, 26969326).

Literature cited by the submitters: PubMed 16021470; PubMed 26969326.